The following is an entry in ClinVar:

ClinVar aggregate classification (germline): Conflicting classifications of pathogenicity. Review status: criteria provided, conflicting classifications (1 of 4 stars). 2 submissions from 2 submitters: Uncertain significance (1); Likely benign (1). Last evaluated 2025-09-06.

Allele frequency attached by ClinVar (database versions not stated): ExAC 0.00007; ESP Exome Variant Server 0.00023; gnomAD 0.00025; gnomAD exomes 0.00005; TOPMed 0.00026.
gnomAD v4.1: 115 of 1,614,034 alleles (0.0071%); highest among the groups gnomAD compares: Admixed American, 0.085%; 1 homozygote.

Submissions (2):

Labcorp Genetics (formerly Invitae), Labcorp
Classification: Likely benign. Last evaluated: 2025-09-06. Review status: criteria provided, single submitter. Criteria: Invitae Variant Classification Sherloc (09022015). Collection method: clinical testing. Allele origin: germline.

GeneDx
Classification: Uncertain significance. Last evaluated: 2025-06-12. Review status: criteria provided, single submitter. Criteria: GeneDx Variant Classification Process June 2021. Collection method: clinical testing. Allele origin: germline. Affected: yes.
Comment: In silico analysis supports that this missense variant does not alter protein structure/function; Has not been previously published as pathogenic or benign to our knowledge

NM_030773.4(TUBB1):c.1322A>C (p.Glu441Ala)

Gene: TUBB1 (tubulin beta 1 class VI; plus strand). Cytogenetic location: 20q13.32.
Variant type: single nucleotide variant.
Coding change: c.1322A>C on transcript NM_030773.4 (MANE Select); coding-DNA position 1322, A replaced by C.
Protein change: p.Glu441Ala; replaces glutamic acid 441 with alanine.
Molecular consequence: missense variant.
Genome position (GRCh38, 1-based): chr20:59,024,749, A>C. VCF-style: chr20-59024749-A-C. GRCh37 (hg19) VCF-style: chr20-57599804-A-C.
Other names: short protein forms E441A.
Identifiers: ClinVar variation 2886442 (VCV002886442.4), dbSNP rs200032740, ClinGen allele CA9928698.